The following is an entry in ClinVar:

NM_005515.4(MNX1):c.1144G>A (p.Asp382Asn)

Gene: MNX1 (motor neuron and pancreas homeobox 1; minus strand). Cytogenetic location: 7q36.3.
Variant type: single nucleotide variant.
Coding change: c.1144G>A on transcript NM_005515.4 (MANE Select); coding-DNA position 1144, G replaced by A.
Protein change: p.Asp382Asn; replaces aspartic acid 382 with asparagine.
Molecular consequence: missense variant.
Genome position (GRCh38, 1-based): chr7:157,005,582, C>T on the plus strand (G>A on the coding strand, the complement: MNX1 is on the minus strand). VCF-style: chr7-157005582-C-T. GRCh37 (hg19) VCF-style: chr7-156798276-C-T.
Other names: c.508G>A, p.Asp170Asn (NM_001165255.2); short protein forms D382N, D170N.
Identifiers: ClinVar variation 4769085 (VCV004769085.1).

ClinVar aggregate classification (germline): Uncertain significance (1 of 4 stars; one submission).

gnomAD v4.1: 3 of 1,594,346 alleles (0.00019%); highest among the groups gnomAD compares: Non-Finnish European, 0.00026%; no homozygotes.

Submission:

Labcorp Genetics (formerly Invitae), Labcorp
Classification: Uncertain significance. Last evaluated: 2025-06-22. Review status: criteria provided, single submitter. Criteria: Invitae Variant Classification Sherloc (09022015). Collection method: clinical testing. Allele origin: germline.
Comment: This sequence change replaces aspartic acid, which is acidic and polar, with asparagine, which is neutral and polar, at codon 382 of the MNX1 protein (p.Asp382Asn). This variant is not present in population databases (gnomAD no frequency). This variant has not been reported in the literature in individuals affected with MNX1-related conditions. Experimental studies and prediction algorithms are not available or were not evaluated, and the functional significance of this variant is currently unknown. In summary, the available evidence is currently insufficient to determine the role of this variant in disease. Therefore, it has been classified as a Variant of Uncertain Significance.